The following is an entry in ClinVar:

NM_022835.3(PLEKHG2):c.2842C>T (p.Gln948Ter)

Gene: PLEKHG2 (pleckstrin homology and RhoGEF domain containing G2; plus strand). Cytogenetic location: 19q13.2.
Variant type: single nucleotide variant.
Coding change: c.2842C>T on transcript NM_022835.3 (MANE Select); coding-DNA position 2842, C replaced by T.
Protein change: p.Gln948Ter; replaces glutamine 948 with a stop codon.
Molecular consequence: nonsense. On other transcripts: intron variant (1).
Genome position (GRCh38, 1-based): chr19:39,423,975, C>T. VCF-style: chr19-39423975-C-T. GRCh37 (hg19) VCF-style: chr19-39914615-C-T.
Other names: c.2665C>T, p.Gln889Ter (NM_001351693.2); c.1678-1263C>T (NM_001351694.2); short protein forms Q889*, Q948*.
Identifiers: ClinVar variation 4534328 (VCV004534328.6).
Genomic context (GRCh38, chr19:39,423,975, plus strand): 5'-CCGGGCATCCACGTTTCAGCTGCTACCCTTTTGCCTGAGCAAGGAGGTTCCCGGCATGTC[C>T]AGGCTCCAGCCGCCACACCTTTGCCCAAGCAAGAAGGCCCCCTGCACCTCCAGGTGCCGG-3'

ClinVar aggregate classification (germline): Uncertain significance (1 of 4 stars; one submission).

gnomAD v4.1: 17 of 1,614,152 alleles (0.0011%); highest among the groups gnomAD compares: Non-Finnish European, 0.0013%; no homozygotes.

Submission:

CeGaT Center for Human Genetics Tuebingen
Classification: Uncertain significance. Last evaluated: 2025-11-01. Review status: criteria provided, single submitter. Criteria: CeGaT Center For Human Genetics Tuebingen Variant Classification Criteria Version 2. Collection method: clinical testing. Allele origin: germline. Affected: yes. Observed: 1 variant allele.
Comment: PLEKHG2: PM2